The following is an entry in ClinVar:

NM_173176.3(PTK2B):c.977G>T (p.Gly326Val)

Gene: PTK2B (protein tyrosine kinase 2 beta; plus strand). Cytogenetic location: 8p21.2.
Variant type: single nucleotide variant.
Coding change: c.977G>T on transcript NM_173176.3 (MANE Select); coding-DNA position 977, G replaced by T.
Protein change: p.Gly326Val; replaces glycine 326 with valine.
Molecular consequence: missense variant.
Genome position (GRCh38, 1-based): chr8:27,432,351, G>T. VCF-style: chr8-27432351-G-T. GRCh37 (hg19) VCF-style: chr8-27289868-G-T.
Other names: c.977G>T, p.Gly326Val (NM_004103.4, NM_173174.3, NM_173175.2); short protein forms G326V.
Identifiers: ClinVar variation 2658499 (VCV002658499.25), dbSNP rs139089526, ClinGen allele CA4688490.

ClinVar aggregate classification (germline): Uncertain significance (1 of 4 stars; one submission).

Allele frequency attached by ClinVar (database versions not stated): ExAC 0.00022; TOPMed 0.00024; ESP Exome Variant Server 0.00046.
gnomAD v4.1: 799 of 1,613,666 alleles (0.05%); highest among the groups gnomAD compares: Non-Finnish European, 0.064%; 2 homozygotes.

Submission:

CeGaT Center for Human Genetics Tuebingen
Classification: Uncertain significance. Last evaluated: 2022-11-01. Review status: criteria provided, single submitter. Criteria: CeGaT Center For Human Genetics Tuebingen Variant Classification Criteria Version 2. Collection method: clinical testing. Allele origin: germline. Affected: yes. Observed: 1 variant allele.